The following is an entry in ClinVar:

NM_001042545.2(LTBP4):c.1324C>T (p.Arg442Cys)

Gene: LTBP4 (latent transforming growth factor beta binding protein 4; plus strand). Cytogenetic location: 19q13.2.
Variant type: single nucleotide variant.
Coding change: c.1324C>T on transcript NM_001042545.2 (MANE Select); coding-DNA position 1324, C replaced by T.
Protein change: p.Arg442Cys; replaces arginine 442 with cysteine.
Molecular consequence: missense variant.
Genome position (GRCh38, 1-based): chr19:40,608,501, C>T. VCF-style: chr19-40608501-C-T. GRCh37 (hg19) VCF-style: chr19-41114407-C-T.
Other names: c.1525C>T, p.Arg509Cys (NM_001042544.1); c.1414C>T, p.Arg472Cys (NM_003573.2); short protein forms R509C, R442C, R472C.
Identifiers: ClinVar variation 329306 (VCV000329306.24), dbSNP rs199875504, ClinGen allele CA9448271.

ClinVar aggregate classification (germline): Uncertain significance. Review status: criteria provided, multiple submitters, no conflicts (2 of 4 stars). 7 submissions from 7 submitters: Uncertain significance (7). Last evaluated 2025-11-03.

Conditions:
LTBP4-related disorder. Also called: LTBP4-related condition.
Cutis laxa with severe pulmonary, gastrointestinal and urinary anomalies. Also called: LTBP4-Related Cutis Laxa; Cutis laxa, autosomal recessive, type IC; URBAN-RIFKIN-DAVIS SYNDROME. Identifiers: Orphanet 221145, MedGen C2750804, MONDO:0013170, OMIM 613177. Disease mechanism: loss of function.

Allele frequency attached by ClinVar (database versions not stated): gnomAD exomes 0.00059 and 0.00131; TOPMed 0.00065; gnomAD 0.00067 and 0.00071; ESP Exome Variant Server 0.00092; ExAC 0.00095.
gnomAD v4.1: 1,984 of 1,604,720 alleles (0.12%); highest among the groups gnomAD compares: Non-Finnish European, 0.16%; 4 homozygotes.

Submissions (7):

PreventionGenetics, part of Exact Sciences
Classification: Uncertain significance for LTBP4-related condition. Last evaluated: 2025-11-03. Review status: criteria provided, single submitter. Criteria: ACMG Guidelines, 2015. Collection method: clinical testing. Allele origin: germline.
Comment: The LTBP4 c.1414C>T variant is predicted to result in the amino acid substitution p.Arg472Cys. This variant is alternatively referred to as c.1324C>T (p.Arg442Cys) in ClinVar using alternative transcript NM_001042545 and as c.1525C>T (p.Arg509Cys) in the literature using alternative transcript NM_001042544. It has been reported in an individual with non syndromic craniosynostosis who had a similarly affected sibling; however, this variant's role in pathogenicity was uncertain as a second causative variant was not identified (Table S4, Topa et al. 2023. PubMed ID: 38318288). This variant is reported in 0.11% of alleles in individuals of European (non-Finnish) descent in gnomAD, which is likely too frequent to be a primary cause of disease. Although we suspect that this variant may be benign, at this time, the clinical significance of this variant is uncertain due to the absence of conclusive functional and genetic evidence.

CeGaT Center for Human Genetics Tuebingen
Classification: Uncertain significance. Last evaluated: 2025-07-01. Review status: criteria provided, single submitter. Criteria: CeGaT Center For Human Genetics Tuebingen Variant Classification Criteria Version 2. Collection method: clinical testing. Allele origin: germline. Affected: yes. Observed: 1 variant allele.

GeneDx
Classification: Uncertain significance. Last evaluated: 2025-03-12. Review status: criteria provided, single submitter. Criteria: GeneDx Variant Classification Process June 2021. Collection method: clinical testing. Allele origin: germline. Affected: yes.
Comment: In silico analysis supports that this missense variant does not alter protein structure/function; Has not been previously published as pathogenic or benign to our knowledge; In silico analysis is inconclusive as to whether the variant alters gene splicing. In the absence of RNA/functional studies, the actual effect of this sequence change is unknown.

Baylor Genetics
Classification: Uncertain significance for Cutis laxa with severe pulmonary, gastrointestinal and urinary anomalies. Last evaluated: 2022-10-11. Review status: criteria provided, single submitter. Criteria: ACMG Guidelines, 2015. Collection method: clinical testing. Allele origin: unknown.

Labcorp Genetics (formerly Invitae), Labcorp
Classification: Uncertain significance. Last evaluated: 2022-09-13. Review status: criteria provided, single submitter. Criteria: Invitae Variant Classification Sherloc (09022015). Collection method: clinical testing. Allele origin: germline.
Comment: This sequence change replaces arginine, which is basic and polar, with cysteine, which is neutral and slightly polar, at codon 472 of the LTBP4 protein (p.Arg472Cys). This variant is present in population databases (rs199875504, gnomAD 0.1%), and has an allele count higher than expected for a pathogenic variant. This variant has not been reported in the literature in individuals affected with LTBP4-related conditions. ClinVar contains an entry for this variant (Variation ID: 329306). Experimental studies and prediction algorithms are not available or were not evaluated, and the functional significance of this variant is currently unknown. Algorithms developed to predict the effect of sequence changes on RNA splicing suggest that this variant may disrupt the consensus splice site. In summary, the available evidence is currently insufficient to determine the role of this variant in disease. Therefore, it has been classified as a Variant of Uncertain Significance.

Revvity Omics, Revvity
Classification: Uncertain significance for Cutis laxa with severe pulmonary, gastrointestinal and urinary anomalies. Last evaluated: 2021-12-21. Review status: criteria provided, single submitter. Criteria: ACMG Guidelines, 2015. Collection method: clinical testing. Allele origin: germline.

Illumina Laboratory Services, Illumina
Classification: Uncertain significance for Cutis laxa with severe pulmonary, gastrointestinal and urinary anomalies. Last evaluated: 2018-01-12. Review status: criteria provided, single submitter. Criteria: ICSL Variant Classification Criteria 13 December 2019. Collection method: clinical testing. Allele origin: germline.